The following is an entry in ClinVar:

ClinVar aggregate classification (germline): Uncertain significance (1 of 4 stars; one submission).

gnomAD v4.1: 12 of 1,398,302 alleles (0.00086%); highest among the groups gnomAD compares: African/African-American, 0.003%; no homozygotes.

Submission:

GeneDx
Classification: Uncertain significance. Last evaluated: 2024-08-08. Review status: criteria provided, single submitter. Criteria: GeneDx Variant Classification Process June 2021. Collection method: clinical testing. Allele origin: germline. Affected: yes.
Comment: Not observed at significant frequency in large population cohorts (gnomAD); Nucleotide is not conserved across species and the substitution has no predicted effect on splicing; Has not been previously published as pathogenic or benign to our knowledge

NM_025152.3(NUBPL):c.-6C>T

Gene: NUBPL (NUBP iron-sulfur cluster assembly factor, mitochondrial; plus strand). Cytogenetic location: 14q12.
Variant type: single nucleotide variant.
Coding change: c.-6C>T on transcript NM_025152.3 (MANE Select); 6 bases upstream of the start codon, C replaced by T.
Molecular consequence: 5 prime UTR variant. On other transcripts: non-coding transcript variant (1).
Genome position (GRCh38, 1-based): chr14:31,561,434, C>T. VCF-style: chr14-31561434-C-T. GRCh37 (hg19) VCF-style: chr14-32030640-C-T.
Identifiers: ClinVar variation 3602976 (VCV003602976.1).